The following is an entry in ClinVar:

NM_006767.4(LZTR1):c.2093C>T (p.Ser698Phe)

Gene: LZTR1 (leucine zipper like post translational regulator 1; plus strand). Cytogenetic location: 22q11.21.
Variant type: single nucleotide variant.
Coding change: c.2093C>T on transcript NM_006767.4 (MANE Select); coding-DNA position 2093, C replaced by T.
Protein change: p.Ser698Phe; replaces serine 698 with phenylalanine.
Molecular consequence: missense variant.
Genome position (GRCh38, 1-based): chr22:20,995,986, C>T. VCF-style: chr22-20995986-C-T. GRCh37 (hg19) VCF-style: chr22-21350275-C-T.
Other names: short protein forms S698F.
Identifiers: ClinVar variation 548121 (VCV000548121.12), dbSNP rs760064852, ClinGen allele CA322271245.
Genomic context (GRCh38, chr22:20,995,986, plus strand): 5'-TGCTGACGGCCAGGTGCCTACCGCTCGTTGTCTGCAGCTACTTTGAAGCCATGTTCCGGT[C>T]CTTCATGCCCGAAGATGGGCAGGTGAACATCTCCATCGGGGAGATGGTGCCCAGCAGGCA-3'
Protein context (NP_006758.2, residues 688-708): RSSYFEAMFR[Ser698Phe]FMPEDGQVNI

ClinVar aggregate classification (germline): Uncertain significance. Review status: criteria provided, multiple submitters, no conflicts (2 of 4 stars). 6 submissions from 6 submitters: Uncertain significance (5). 1 of the submissions does not count toward it. Last evaluated 2025-11-08.

Conditions:
Diffuse midline glioma, H3 K27-altered. Identifiers: MedGen C5669877, MONDO:1060171.
Hereditary cancer-predisposing syndrome. Also called: Hereditary Cancer Syndrome; Neoplastic Syndromes, Hereditary; Tumor predisposition; Hereditary neoplastic syndrome. Identifiers: Orphanet 140162, MedGen C0027672, MeSH D009386, MONDO:0015356.
Cardiovascular phenotype. Identifiers: MedGen CN230736.
Bladder exstrophy. Identifiers: Orphanet 93930, MedGen C0005689, MONDO:0010805, HP:0002836.
LZTR1-related schwannomatosis. Also called: Schwannomatosis-2, susceptibility to; Schwannomatosis 2. Identifiers: Orphanet 93921, MedGen C3810283, MONDO:0014299, OMIM 615670.

Allele frequency attached by ClinVar (database versions not stated): gnomAD exomes below 0.00001; TOPMed below 0.00001.

Submissions (6):

Labcorp Genetics (formerly Invitae), Labcorp
Classification: Uncertain significance. Last evaluated: 2025-11-08. Review status: criteria provided, single submitter. Criteria: Invitae Variant Classification Sherloc (09022015). Collection method: clinical testing. Allele origin: germline.
Comment: This sequence change replaces serine, which is neutral and polar, with phenylalanine, which is neutral and non-polar, at codon 698 of the LZTR1 protein (p.Ser698Phe). This variant is not present in population databases (gnomAD no frequency). This missense change has been observed in individual(s) with clinical features of LZTR1-related conditions (PMID: 39140257). ClinVar contains an entry for this variant (Variation ID: 548121). Invitae Evidence Modeling of protein sequence and biophysical properties (such as structural, functional, and spatial information, amino acid conservation, physicochemical variation, residue mobility, and thermodynamic stability) indicates that this missense variant is not expected to disrupt LZTR1 protein function with a negative predictive value of 80%. Experimental studies have shown that this missense change affects LZTR1 function (PMID: 31044557). In summary, the available evidence is currently insufficient to determine the role of this variant in disease. Therefore, it has been classified as a Variant of Uncertain Significance.

Revvity Omics, Revvity
Classification: Uncertain significance. Last evaluated: 2024-09-10. Review status: criteria provided, single submitter. Criteria: ACMG Guidelines, 2015. Collection method: clinical testing. Allele origin: germline.

Ambry Genetics
Classification: Uncertain significance for Cardiovascular phenotype; Hereditary cancer-predisposing syndrome. Last evaluated: 2024-02-07. Review status: criteria provided, single submitter. Criteria: Ambry Variant Classification Scheme 2023. Collection method: clinical testing. Allele origin: germline.
Comment: The p.S698F variant (also known as c.2093C>T), located in coding exon 18 of the LZTR1 gene, results from a C to T substitution at nucleotide position 2093. The serine at codon 698 is replaced by phenylalanine, an amino acid with highly dissimilar properties. This amino acid position is highly conserved in available vertebrate species. In addition, this alteration is predicted to be deleterious by in silico analysis. Based on the available evidence, the clinical significance of this alteration remains unclear.

Baylor Genetics
Classification: Uncertain significance for LZTR1-related schwannomatosis. Last evaluated: 2024-01-15. Review status: criteria provided, single submitter. Criteria: ACMG Guidelines, 2015. Collection method: clinical testing. Allele origin: unknown.

Laboratory of Medical Genetics Unit, Bambino Gesù Children's Hospital
Classification: Uncertain significance for Diffuse midline glioma, H3 K27-altered. Last evaluated: 2022-05-30. Review status: criteria provided, single submitter. Criteria: ACMG Guidelines, 2015. Collection method: research. Allele origin: maternal. Affected: yes. Observed: 1 heterozygote.

Rare Disease Group, Clinical Genetics, Karolinska Institutet
Classification: Uncertain significance. Review status: no assertion criteria provided. Collection method: research. Allele origin: maternal. Affected: yes. Observed: 1 variant allele, 1 heterozygote. Not counted in ClinVar's aggregate classification.

Literature cited by the submitters: PubMed 39140257 (cited by Labcorp Genetics (formerly Invitae), Labcorp); PubMed 31044557 (cited by Labcorp Genetics (formerly Invitae), Labcorp).